The following is an entry in ClinVar:

ClinVar aggregate classification (germline): Likely benign. Review status: criteria provided, multiple submitters, no conflicts (2 of 4 stars). 3 submissions from 3 submitters: Likely benign (3). Last evaluated 2025-07-14.

Allele frequency attached by ClinVar (database versions not stated): gnomAD exomes 0.00006 and 0.00001; ExAC 0.00006; gnomAD 0.00006; 1000 Genomes Project 30x 0.00016; ESP Exome Variant Server 0.00008; 1000 Genomes Project 0.00020; TOPMed 0.00006.
gnomAD v4.1: 45 of 1,613,156 alleles (0.0028%); highest among the groups gnomAD compares: East Asian, 0.031%; no homozygotes.

Submissions (3):

Mayo Clinic Laboratories, Mayo Clinic
Classification: Likely benign. Last evaluated: 2025-07-14. Review status: criteria provided, single submitter. Criteria: ACMG Guidelines, 2015. Collection method: clinical testing. Allele origin: germline. Observed: 1 variant allele.
Comment: BS1, BP4

Labcorp Genetics (formerly Invitae), Labcorp
Classification: Likely benign. Last evaluated: 2022-12-24. Review status: criteria provided, single submitter. Criteria: Invitae Variant Classification Sherloc (09022015). Collection method: clinical testing. Allele origin: germline.

Athena Diagnostics
Classification: Likely benign. Last evaluated: 2016-12-16. Review status: criteria provided, single submitter. Criteria: Athena Diagnostics Criteria. Collection method: clinical testing. Allele origin: germline.

NM_006946.4(SPTBN2):c.4450C>T (p.Leu1484=)

Gene: SPTBN2 (spectrin beta, non-erythrocytic 2; minus strand). Cytogenetic location: 11q13.2.
Variant type: single nucleotide variant.
Coding change: c.4450C>T on transcript NM_006946.4 (MANE Select); coding-DNA position 4450, C replaced by T.
Protein change: p.Leu1484=; no amino-acid change (leucine 1484 retained).
Molecular consequence: synonymous variant.
Genome position (GRCh38, 1-based): chr11:66,694,192, G>A on the plus strand (C>T on the coding strand, the complement: SPTBN2 is on the minus strand). VCF-style: chr11-66694192-G-A. GRCh37 (hg19) VCF-style: chr11-66461663-G-A.
Other names: p.Leu1484=; c.4450C>T (NM_006946.3).
Identifiers: ClinVar variation 448505 (VCV000448505.8), dbSNP rs139883853, ClinGen allele CA6128579.